The following is an entry in ClinVar:

ClinVar aggregate classification (germline): Uncertain significance (0 of 4 stars; one submission).

Conditions:
Freeman-Sheldon syndrome (DA2A). Also called: CRANIOCARPOTARSAL DYSPLASIA; CRANIOCARPOTARSAL DYSTROPHY; WHISTLING FACE-WINDMILL VANE HAND SYNDROME; Arthrogryposis, distal, type 2A (Freeman-Sheldon). Identifiers: Orphanet 2053, MedGen C0265224, MONDO:0008675, OMIM 193700.

Submission:

Institute of Human Genetics, Cologne University
Classification: Uncertain significance for Freeman-Sheldon syndrome. Last evaluated: 2022-01-06. Review status: no assertion criteria provided. Collection method: clinical testing. Allele origin: germline. Inheritance: Autosomal dominant inheritance. Affected: yes. Observed: 1 heterozygote.
Comment: PM2_supporting, PP3, PM5_supporting (PMID 16642020), PP4

NM_002470.4(MYH3):c.2305G>A (p.Gly769Ser)

Gene: MYH3 (myosin heavy chain 3; minus strand). Cytogenetic location: 17p13.1.
Variant type: single nucleotide variant.
Coding change: c.2305G>A on transcript NM_002470.4 (MANE Select); coding-DNA position 2305, G replaced by A.
Protein change: p.Gly769Ser; replaces glycine 769 with serine.
Molecular consequence: missense variant.
Genome position (GRCh38, 1-based): chr17:10,640,454, C>T on the plus strand (G>A on the coding strand, the complement: MYH3 is on the minus strand). VCF-style: chr17-10640454-C-T. GRCh37 (hg19) VCF-style: chr17-10543771-C-T.
Other names: short protein forms G769S.
Identifiers: ClinVar variation 1335812 (VCV001335812.1), dbSNP rs2142400628, ClinGen allele CA398164545.